The following is an entry in ClinVar:

NM_144687.4(NLRP12):c.2164C>T (p.Arg722Ter)

Gene: NLRP12 (NLR family pyrin domain containing 12; minus strand). Cytogenetic location: 19q13.42.
Variant type: single nucleotide variant.
Coding change: c.2164C>T on transcript NM_144687.4 (MANE Select); coding-DNA position 2164, C replaced by T.
Protein change: p.Arg722Ter; replaces arginine 722 with a stop codon.
Molecular consequence: nonsense.
Genome position (GRCh38, 1-based): chr19:53,807,574, G>A on the plus strand (C>T on the coding strand, the complement: NLRP12 is on the minus strand). VCF-style: chr19-53807574-G-A. GRCh37 (hg19) VCF-style: chr19-54310828-G-A.
Other names: c.2167C>T, p.Arg723Ter (NM_001277126.2); c.2164C>T, p.Arg722Ter (NM_001277129.1); c.2164C>T (NM_144687.3); short protein forms R723*, R722*.
Identifiers: ClinVar variation 808639 (VCV000808639.46), dbSNP rs750852187, ClinGen allele CA9639205.

ClinVar aggregate classification (germline): Uncertain significance. Review status: criteria provided, multiple submitters, no conflicts (2 of 4 stars). 3 submissions from 3 submitters: Uncertain significance (3). Last evaluated 2026-07-21.

Conditions:
NLRP12-related disorder. Also called: NLRP12-related conditions; NLRP12-related condition.
Familial cold autoinflammatory syndrome 2 (FCAS2). Identifiers: Orphanet 247868, MedGen C2673198, MONDO:0012724, OMIM 611762.

Allele frequency attached by ClinVar (database versions not stated): gnomAD 0.00001; TOPMed 0.00001.
gnomAD v4.1: 29 of 1,613,940 alleles (0.0018%); highest among the groups gnomAD compares: Admixed American, 0.0033%; no homozygotes.

Submissions (3):

PreventionGenetics, part of Exact Sciences
Classification: Uncertain significance for NLRP12-related condition. Last evaluated: 2026-07-21. Review status: criteria provided, single submitter. Criteria: ACMG Guidelines, 2015. Collection method: clinical testing. Allele origin: germline.
Comment: The NLRP12 c.2164C>T variant is predicted to result in premature protein termination (p.Arg722*). To our knowledge, this variant has not been reported in the literature. This variant is reported in 0.0054% of alleles in individuals of East Asian descent in gnomAD. Loss of function is not an established mechanism of NLRP12-related disease. Although we suspect that this variant may be pathogenic, at this time, the clinical significance of this variant is uncertain due to the absence of conclusive functional and genetic evidence.

Labcorp Genetics (formerly Invitae), Labcorp
Classification: Uncertain significance for Familial cold autoinflammatory syndrome 2. Last evaluated: 2025-04-22. Review status: criteria provided, single submitter. Criteria: Invitae Variant Classification Sherloc (09022015). Collection method: clinical testing. Allele origin: germline.
Comment: This sequence change creates a premature translational stop signal (p.Arg722*) in the NLRP12 gene. It is expected to result in an absent or disrupted protein product. However, the current clinical and genetic evidence is not sufficient to establish whether loss-of-function variants in NLRP12 cause disease. This variant is present in population databases (rs750852187, gnomAD 0.006%). This variant has not been reported in the literature in individuals affected with NLRP12-related conditions. ClinVar contains an entry for this variant (Variation ID: 808639). Algorithms developed to predict the effect of sequence changes on RNA splicing suggest that this variant may disrupt the consensus splice site. In summary, the available evidence is currently insufficient to determine the role of this variant in disease. Therefore, it has been classified as a Variant of Uncertain Significance.

CeGaT Center for Human Genetics Tuebingen
Classification: Uncertain significance. Last evaluated: 2017-12-01. Review status: criteria provided, single submitter. Criteria: CeGaT Center For Human Genetics Tuebingen Variant Classification Criteria Version 2. Collection method: clinical testing. Allele origin: germline. Affected: yes. Observed: 1 variant allele.